The following is an entry in ClinVar:

NM_000130.5(F5):c.4041_4042delinsA (p.Asn1347fs)

Gene: F5 (coagulation factor V; minus strand). Cytogenetic location: 1q24.2.
Variant type: Indel.
Coding change: c.4041_4042delinsA on transcript NM_000130.5 (MANE Select); coding-DNA positions 4041 to 4042, CC replaced by A.
Protein change: p.Asn1347fs; shifts the reading frame from asparagine 1347.
Molecular consequence: frameshift variant.
Genome position (GRCh38, 1-based): chr1:169,541,048-169,541,049, GG replaced by T on the plus strand (CC replaced by A on the coding strand, the reverse complement: F5 is on the minus strand). VCF-style: chr1-169541048-GG-T. GRCh37 (hg19) VCF-style: chr1-169510286-GG-T.
Other names: c.4041_4042delCCinsA, p.Asn1347Lysfs (NM_000130.4); short protein forms N1347fs.
Identifiers: ClinVar variation 3902973 (VCV003902973.1).
Genomic context (GRCh38, chr1:169,541,048, plus strand): 5'-GAGAAAGGGTTGTATGGCTGGGGTCTGGAGAAAGGGGCATCTGACCGAGGGCTGGGGAAA[GG>T]TTTGTTTGACTGAGTTCTGGAGAGAGGTTTGTCTGGCTGAAGTCTAGAGAAAGGGTTGTA-3'

ClinVar aggregate classification (germline): Likely pathogenic (1 of 4 stars; one submission).

Submission:

GeneDx
Classification: Likely pathogenic. Last evaluated: 2024-12-11. Review status: criteria provided, single submitter. Criteria: GeneDx Variant Classification Process June 2021. Collection method: clinical testing. Allele origin: germline. Affected: yes.
Comment: Frameshift variant predicted to result in protein truncation or nonsense mediated decay in a gene for which loss of function is a known mechanism of disease; Not observed at significant frequency in large population cohorts (gnomAD); Has not been previously published as pathogenic or benign to our knowledge